The following is an entry in ClinVar:

NM_000094.4(COL7A1):c.3601C>T (p.Arg1201Cys)

Gene: COL7A1 (collagen type VII alpha 1 chain; minus strand). Cytogenetic location: 3p21.31.
Variant type: single nucleotide variant.
Coding change: c.3601C>T on transcript NM_000094.4 (MANE Select); coding-DNA position 3601, C replaced by T.
Protein change: p.Arg1201Cys; replaces arginine 1201 with cysteine.
Molecular consequence: missense variant.
Genome position (GRCh38, 1-based): chr3:48,586,196, G>A on the plus strand (C>T on the coding strand, the complement: COL7A1 is on the minus strand). VCF-style: chr3-48586196-G-A. GRCh37 (hg19) VCF-style: chr3-48623629-G-A.
Other names: c.3601C>T (NM_000094.3); short protein forms R1201C.
Identifiers: ClinVar variation 1391139 (VCV001391139.5), dbSNP rs755769656, ClinGen allele CA2380470.
Genomic context (GRCh38, chr3:48,586,196, plus strand): 5'-TTGGCCCATCATCCACGGCGAAGAAGGTCTGGACAGAGTCCATACCCGGCGCCAAGCGAC[G>A]CAGCTGCTCTGGGTCCGCTCCAGCCATTCCCAACATCACCACATTAAGCCCTAAGGTGGG-3'
Protein context (NP_000085.1, residues 1191-1211): GMAGADPEQL[Arg1201Cys]RLAPGMDSVQ

ClinVar aggregate classification (germline): Uncertain significance. Review status: criteria provided, multiple submitters, no conflicts (2 of 4 stars). 2 submissions from 2 submitters: Uncertain significance (2). Last evaluated 2025-10-13.

Conditions:
Inborn genetic diseases. Identifiers: MedGen C0950123, MeSH D030342.

Allele frequency attached by ClinVar (database versions not stated): gnomAD 0.00001; gnomAD exomes 0.00001; ExAC 0.00002.
gnomAD v4.1: 10 of 1,613,236 alleles (0.00062%); highest among the groups gnomAD compares: South Asian, 0.0022%; no homozygotes.

Submissions (2):

Labcorp Genetics (formerly Invitae), Labcorp
Classification: Uncertain significance. Last evaluated: 2025-10-13. Review status: criteria provided, single submitter. Criteria: Invitae Variant Classification Sherloc (09022015). Collection method: clinical testing. Allele origin: germline.
Comment: This sequence change replaces arginine, which is basic and polar, with cysteine, which is neutral and slightly polar, at codon 1201 of the COL7A1 protein (p.Arg1201Cys). This variant is present in population databases (rs755769656, gnomAD 0.003%). This variant has not been reported in the literature in individuals affected with COL7A1-related conditions. ClinVar contains an entry for this variant (Variation ID: 1391139). Invitae Evidence Modeling of protein sequence and biophysical properties (such as structural, functional, and spatial information, amino acid conservation, physicochemical variation, residue mobility, and thermodynamic stability) has been performed for this missense variant. However, the output from this modeling did not meet the statistical confidence thresholds required to predict the impact of this variant on COL7A1 protein function. In summary, the available evidence is currently insufficient to determine the role of this variant in disease. Therefore, it has been classified as a Variant of Uncertain Significance.

Ambry Genetics
Classification: Uncertain significance for Inborn genetic diseases. Last evaluated: 2025-08-08. Review status: criteria provided, single submitter. Criteria: Ambry Variant Classification Scheme 2023. Collection method: clinical testing. Allele origin: germline.